The following is an entry in ClinVar:

ClinVar aggregate classification (germline): Likely pathogenic (1 of 4 stars; one submission).

Conditions:
Waardenburg syndrome type 2A (WS2A). Also called: WAARDENBURG SYNDROME WITHOUT DYSTOPIA CANTHORUM. Identifiers: Orphanet 3440, MedGen C1860339, MONDO:0008671, OMIM 193510.

Submission:

Laboratory of Molecular, Cellular and Translation Genetics in Otolaryngology/ Lim32-hcfmusp, University of Sao Paulo School of Medicine Clinics Hospital
Classification: Likely pathogenic for Waardenburg syndrome type 2A. Review status: criteria provided, single submitter. Criteria: ClinGen HL ACMG Specifications v1. Collection method: research. Allele origin: germline. Inheritance: Autosomal dominant inheritance. Affected: yes. Observed: 2 variant alleles, 2 heterozygotes. Clinical features observed: Prelingual sensorineural hearing impairment (HP:0000399), Heterochromia iridis (HP:0001100), Abnormality of hair pigmentation (HP:0009887). Segregation with disease observed.

Literature cited by the submitters: PubMed 34599368.

NM_001354604.2(MITF):c.1070C>A (p.Ser357Tyr)

Gene: MITF (melanocyte inducing transcription factor; plus strand). Cytogenetic location: 3p13.
Variant type: single nucleotide variant.
Coding change: c.1070C>A on transcript NM_001354604.2 (MANE Select); coding-DNA position 1070, C replaced by A.
Protein change: p.Ser357Tyr; replaces serine 357 with tyrosine.
Molecular consequence: missense variant.
Genome position (GRCh38, 1-based): chr3:69,959,311, C>A. VCF-style: chr3-69959311-C-A. GRCh37 (hg19) VCF-style: chr3-70008462-C-A.
Other names: c.749C>A, p.Ser250Tyr (NM_000248.4); c.896C>A, p.Ser299Tyr (NM_001184967.2, NM_001354608.2); c.1067C>A, p.Ser356Tyr (NM_001354605.2); c.1049C>A, p.Ser350Tyr (NM_001354606.2, NM_006722.3); c.1001C>A, p.Ser334Tyr (NM_001354607.2); c.731C>A, p.Ser244Tyr (NM_198158.3); c.1052C>A, p.Ser351Tyr (NM_198159.3); c.1004C>A, p.Ser335Tyr (NM_198177.3); and 1 more; short protein forms S188Y, S244Y, S250Y, S299Y, S334Y, S335Y, S350Y, S351Y.
Identifiers: ClinVar variation 1202629 (VCV001202629.1), dbSNP rs2107537096, ClinGen allele CA353561959.
Genomic context (GRCh38, chr3:69,959,311, plus strand): 5'-TTTTCCTCCATTTTCATCGCAGAGACATGCGCTGGAACAAGGGAACCATCTTAAAAGCAT[C>A]CGTGGACTATATCCGAAAGTTGCAACGAGAACAGCAACGCGCAAAAGAACTTGAAAACCG-3'
Protein context (NP_001341533.1, residues 347-367): RWNKGTILKA[Ser357Tyr]VDYIRKLQRE